The following is an entry in ClinVar:

ClinVar aggregate classification (germline): Uncertain significance (1 of 4 stars; one submission).

Conditions:
Catecholaminergic polymorphic ventricular tachycardia 1. Also called: VENTRICULAR TACHYCARDIA, CATECHOLAMINERGIC POLYMORPHIC, 1, WITH OR WITHOUT ATRIAL DYSFUNCTION AND/OR DILATED CARDIOMYOPATHY; RYR2-Related Catecholaminergic Polymorphic Ventricular Tachycardia; VENTRICULAR TACHYCARDIA, STRESS-INDUCED POLYMORPHIC 1. Identifiers: Orphanet 3286, MedGen C1631597, MONDO:0011484, OMIM 604772.

Submission:

Labcorp Genetics (formerly Invitae), Labcorp
Classification: Uncertain significance for Catecholaminergic polymorphic ventricular tachycardia 1. Last evaluated: 2025-06-27. Review status: criteria provided, single submitter. Criteria: Invitae Variant Classification Sherloc (09022015). Collection method: clinical testing. Allele origin: germline.
Comment: This sequence change falls in intron 16 of the RYR2 gene. It does not directly change the encoded amino acid sequence of the RYR2 protein. Information on the frequency of this variant in the gnomAD database is not available, as this variant may be reported differently in the database. This variant has not been reported in the literature in individuals affected with RYR2-related conditions. Experimental studies and prediction algorithms are not available or were not evaluated, and the effect of this variant on mRNA splicing is currently unknown. In summary, the available evidence is currently insufficient to determine the role of this variant in disease. Therefore, it has been classified as a Variant of Uncertain Significance.

NM_001035.3(RYR2):c.1612+14_1612+15delinsCG

Gene: RYR2 (ryanodine receptor 2; plus strand). Cytogenetic location: 1q43.
Variant type: Indel.
Coding change: c.1612+14_1612+15delinsCG on transcript NM_001035.3 (MANE Select); bases 14 to 15 of the intron after coding-DNA position 1612, TT replaced by CG.
Molecular consequence: intron variant.
Genome position (GRCh38, 1-based): chr1:237,456,749-237,456,750, TT replaced by CG. VCF-style: chr1-237456749-TT-CG. GRCh37 (hg19) VCF-style: chr1-237620049-TT-CG.
Identifiers: ClinVar variation 4737271 (VCV004737271.1).
Genomic context (GRCh38, chr1:237,456,749, plus strand): 5'-AGGAGAGTCTTGGAAATCCATTCTGAATTCTCTGTATGAGTTGCTGGGTAAGAAGCATGA[TT>CG]GGGTTCATAGCAACAGAGTTATCTATTTAAAATGTCCATAAATGGACTAGGTGTGATGGC-3'